The following is an entry in ClinVar:

ClinVar aggregate classification (germline): Likely benign. Review status: criteria provided, multiple submitters, no conflicts (2 of 4 stars). 2 submissions from 2 submitters: Likely benign (2). Last evaluated 2025-10-17.

Conditions:
Maple syrup urine disease (MSUD). Identifiers: Orphanet 511, MedGen C0024776, MeSH D008375, MONDO:0009563. Disease mechanism: loss of function.

Allele frequency attached by ClinVar (database versions not stated): gnomAD exomes below 0.00001 and 0.00002; gnomAD 0.00001; TOPMed 0.00003.
gnomAD v4.1: 5 of 1,612,384 alleles (0.00031%); highest among the groups gnomAD compares: Admixed American, 0.0067%; no homozygotes.

Submissions (2):

Labcorp Genetics (formerly Invitae), Labcorp
Classification: Likely benign for Maple syrup urine disease. Last evaluated: 2025-10-17. Review status: criteria provided, single submitter. Criteria: Invitae Variant Classification Sherloc (09022015). Collection method: clinical testing. Allele origin: germline.

GeneDx
Classification: Likely benign. Last evaluated: 2017-10-19. Review status: criteria provided, single submitter. Criteria: GeneDx Variant Classification (06012015). Collection method: clinical testing. Allele origin: germline. Affected: yes.
Comment: This variant is considered likely benign or benign based on one or more of the following criteria: it is a conservative change, it occurs at a poorly conserved position in the protein, it is predicted to be benign by multiple in silico algorithms, and/or has population frequency not consistent with disease.

NM_183050.4(BCKDHB):c.393A>T (p.Gly131=)

Gene: BCKDHB (branched chain keto acid dehydrogenase E1 subunit beta; plus strand). Cytogenetic location: 6q14.1.
Variant type: single nucleotide variant.
Coding change: c.393A>T on transcript NM_183050.4 (MANE Select); coding-DNA position 393, A replaced by T.
Protein change: p.Gly131=; no amino-acid change (glycine 131 retained).
Molecular consequence: synonymous variant. On other transcripts: non-coding transcript variant (1).
Genome position (GRCh38, 1-based): chr6:80,167,727, A>T. VCF-style: chr6-80167727-A-T. GRCh37 (hg19) VCF-style: chr6-80877444-A-T.
Other names: c.393A>T, p.Gly131= (NM_000056.5); c.183A>T, p.Gly61= (NM_001318975.1).
Identifiers: ClinVar variation 512544 (VCV000512544.11), dbSNP rs934559515, ClinGen allele CA142283911.